The following is an entry in ClinVar:

NM_001283009.2(RTEL1):c.1348+6G>A

Genes: RTEL1 (regulator of telomere elongation helicase 1; plus strand), RTEL1-TNFRSF6B (RTEL1-TNFRSF6B readthrough (NMD candidate); plus strand). Cytogenetic location: 20q13.33.
Variant type: single nucleotide variant.
Coding change: c.1348+6G>A on transcript NM_001283009.2 (MANE Select); 6 bases into the intron after coding-DNA position 1348, G replaced by A.
Molecular consequence: intron variant.
Genome position (GRCh38, 1-based): chr20:63,685,878, G>A. VCF-style: chr20-63685878-G-A. GRCh37 (hg19) VCF-style: chr20-62317231-G-A.
Other names: c.679+6G>A (NM_001283010.1); c.1420+6G>A (NM_032957.5); c.1348+6G>A (NM_016434.4).
Identifiers: ClinVar variation 737411 (VCV000737411.18), dbSNP rs371358328, ClinGen allele CA9964743.

ClinVar aggregate classification (germline): Likely benign. Review status: criteria provided, multiple submitters, no conflicts (2 of 4 stars). 7 submissions from 7 submitters: Likely benign (3). 4 of the submissions do not count toward it. Last evaluated 2025-12-22.

Conditions:
Dyskeratosis congenita, autosomal dominant 1 (DKCA1). Also called: Dyskeratosis congenita Scoggins type. Identifiers: Orphanet 1775, MedGen C4551974, MONDO:0007485, OMIM 127550. Inheritance: Variable.
RTEL1-related disorder. Also called: RTEL1-related condition; RTEL1-related disorders.
Pulmonary fibrosis and/or bone marrow failure, Telomere-related, 3. Also called: PULMONARY FIBROSIS AND/OR BONE MARROW FAILURE SYNDROME, TELOMERE-RELATED, 3. Identifiers: Orphanet 2032, MedGen C4225346, MONDO:0014613, OMIM 616373.
Dyskeratosis congenita, autosomal recessive 5 (DKCB5). Identifiers: MedGen C3554656, MONDO:0014076, OMIM 615190.
Dyskeratosis congenita. Identifiers: Orphanet 1775, MedGen C0265965, MONDO:0015780.

Allele frequency attached by ClinVar (database versions not stated): gnomAD exomes 0.00027; ExAC 0.00038; gnomAD 0.00083; TOPMed 0.00092; ESP Exome Variant Server 0.00116; 1000 Genomes Project 0.00140; 1000 Genomes Project 30x 0.00156.
gnomAD v4.1: 279 of 1,612,064 alleles (0.017%); highest among the groups gnomAD compares: African/African-American, 0.32%; no homozygotes.

Submissions (7):

Labcorp Genetics (formerly Invitae), Labcorp
Classification: Likely benign for Dyskeratosis congenita, autosomal recessive 5; Pulmonary fibrosis and/or bone marrow failure, Telomere-related, 3. Last evaluated: 2025-12-22. Review status: criteria provided, single submitter. Criteria: Invitae Variant Classification Sherloc (09022015). Collection method: clinical testing. Allele origin: germline.

Blueprint Genetics
Classification: Likely benign. Last evaluated: 2024-09-15. Review status: criteria provided, single submitter. Criteria: ACMG Guidelines, 2015. Collection method: clinical testing. Allele origin: germline.

Sema4
Classification: Likely benign for Dyskeratosis congenita. Last evaluated: 2020-08-26. Review status: criteria provided, single submitter. Criteria: Sema4 Curation Guidelines. Collection method: curation. Allele origin: germline.

Natera, Inc.
Classification: Likely benign for Autosomal dominant dyskeratosis congenita. Last evaluated: 2020-04-30. Review status: no assertion criteria provided. Collection method: clinical testing. Allele origin: germline. Not counted in ClinVar's aggregate classification.

PreventionGenetics, part of Exact Sciences
Classification: Likely benign for RTEL1-related condition. Last evaluated: 2020-02-11. Review status: no assertion criteria provided. Collection method: clinical testing. Allele origin: germline. Not counted in ClinVar's aggregate classification.
Comment: This variant is classified as likely benign based on ACMG/AMP sequence variant interpretation guidelines (Richards et al. 2015 PMID: 25741868, with internal and published modifications).

Clinical Genetics DNA and cytogenetics Diagnostics Lab, Erasmus MC, Erasmus Medical Center
Classification: Likely benign. Review status: no assertion criteria provided. Collection method: clinical testing. Allele origin: germline. Affected: yes. Study: VKGL Data-share Consensus. Not counted in ClinVar's aggregate classification.

Genome Diagnostics Laboratory, University Medical Center Utrecht
Classification: Likely benign. Review status: no assertion criteria provided. Collection method: clinical testing. Allele origin: germline. Affected: yes. Study: VKGL Data-share Consensus. Not counted in ClinVar's aggregate classification.